The following is an entry in ClinVar:

ClinVar aggregate classification (germline): Uncertain significance (1 of 4 stars; one submission).

Submission:

GeneDx
Classification: Uncertain significance. Last evaluated: 2022-07-05. Review status: criteria provided, single submitter. Criteria: GeneDx Variant Classification Process June 2021. Collection method: clinical testing. Allele origin: germline. Affected: yes.
Comment: Not observed at significant frequency in large population cohorts (gnomAD); In silico analysis supports that this missense variant does not alter protein structure/function; Has not been previously published as pathogenic or benign to our knowledge

NM_001291867.2(NHS):c.2242C>A (p.Leu748Met)

Gene: NHS (NHS actin remodeling regulator; plus strand). Cytogenetic location: Xp22.13.
Variant type: single nucleotide variant.
Coding change: c.2242C>A on transcript NM_001291867.2 (MANE Select); coding-DNA position 2242, C replaced by A.
Protein change: p.Leu748Met; replaces leucine 748 with methionine.
Molecular consequence: missense variant.
Genome position (GRCh38, 1-based): chrX:17,726,348, C>A. VCF-style: chrX-17726348-C-A. GRCh37 (hg19) VCF-style: chrX-17744468-C-A.
Other names: c.1711C>A, p.Leu571Met (NM_001136024.4); c.1648C>A, p.Leu550Met (NM_001291868.2); c.2179C>A, p.Leu727Met (NM_198270.4); short protein forms L571M, L727M, L550M, L748M.
Identifiers: ClinVar variation 1810517 (VCV001810517.1), dbSNP rs2519936563, ClinGen allele CA412357135.